The following is an entry in ClinVar:

NM_000548.5(TSC2):c.5129T>A (p.Phe1710Tyr)

Gene: TSC2 (TSC complex subunit 2; plus strand). Cytogenetic location: 16p13.3.
Variant type: single nucleotide variant.
Coding change: c.5129T>A on transcript NM_000548.5 (MANE Select); coding-DNA position 5129, T replaced by A.
Protein change: p.Phe1710Tyr; replaces phenylalanine 1710 with tyrosine.
Molecular consequence: missense variant. On other transcripts: non-coding transcript variant (5).
Genome position (GRCh38, 1-based): chr16:2,088,108, T>A. VCF-style: chr16-2088108-T-A. GRCh37 (hg19) VCF-style: chr16-2138109-T-A.
Other names: c.4928T>A, p.Phe1643Tyr (NM_001077183.3); c.5060T>A, p.Phe1687Tyr (NM_001114382.3); c.4820T>A, p.Phe1607Tyr (NM_001318827.2); c.4784T>A, p.Phe1595Tyr (NM_001318829.2); c.4397T>A, p.Phe1466Tyr (NM_001318831.2); c.4961T>A, p.Phe1654Tyr (NM_001318832.2); c.4931T>A, p.Phe1644Tyr (NM_001363528.2); c.4997T>A, p.Phe1666Tyr (NM_001370404.1); and 26 more; short protein forms F1109Y, F1486Y, F1490Y, F1595Y, F1643Y, F1673Y, F1709Y, F1710Y.
Identifiers: ClinVar variation 4826475 (VCV004826475.1).

ClinVar aggregate classification (germline): Uncertain significance (1 of 4 stars; one submission).

Conditions:
Hereditary cancer-predisposing syndrome. Also called: Neoplastic Syndromes, Hereditary; Tumor predisposition; Hereditary Cancer Syndrome; Hereditary neoplastic syndrome. Identifiers: Orphanet 140162, MedGen C0027672, MeSH D009386, MONDO:0015356.

Submission:

Ambry Genetics
Classification: Uncertain significance for Hereditary cancer-predisposing syndrome. Last evaluated: 2026-03-12. Review status: criteria provided, single submitter. Criteria: Ambry Variant Classification Scheme 2023. Collection method: clinical testing. Allele origin: germline.
Comment: The p.F1710Y variant (also known as c.5129T>A), located in coding exon 39 of the TSC2 gene, results from a T to A substitution at nucleotide position 5129. The phenylalanine at codon 1710 is replaced by tyrosine, an amino acid with highly similar properties. This amino acid position is conserved. In addition, the in silico prediction for this alteration is inconclusive. Based on the available evidence, the clinical significance of this variant remains unclear.